The following is an entry in ClinVar:

NM_153240.5(NPHP3):c.833A>G (p.Asp278Gly)

Genes: NPHP3 (nephrocystin 3; minus strand), NPHP3-ACAD11 (NPHP3-ACAD11 readthrough (NMD candidate); minus strand). Cytogenetic location: 3q22.1.
Variant type: single nucleotide variant.
Coding change: c.833A>G on transcript NM_153240.5 (MANE Select); coding-DNA position 833, A replaced by G.
Protein change: p.Asp278Gly; replaces aspartic acid 278 with glycine.
Molecular consequence: missense variant. On other transcripts: non-coding transcript variant (1).
Genome position (GRCh38, 1-based): chr3:132,715,209, T>C on the plus strand (A>G on the coding strand, the complement: NPHP3 is on the minus strand). VCF-style: chr3-132715209-T-C. GRCh37 (hg19) VCF-style: chr3-132434053-T-C.
Other names: short protein forms D278G.
Identifiers: ClinVar variation 1469820 (VCV001469820.6), dbSNP rs1435611774, ClinGen allele CA354586286.
Genomic context (GRCh38, chr3:132,715,209, plus strand): 5'-TTACTCCACAGAGAATGTGAAAACAGAGGAGTAACTTGTAATAAACTAGCTACAGCAATA[T>C]CCCAGTCATCTGAAAATAAAATTTCTCAAGTTCATGAAAAAATTACCAGAACACATTTGA-3'
Protein context (NP_694972.3, residues 268-288): PFANVNRDDW[Asp278Gly]IAVASLLQVT

ClinVar aggregate classification (germline): Uncertain significance (1 of 4 stars; one submission).

Conditions:
Nephronophthisis. Also called: Juvenile Nephronophthisis. Identifiers: Orphanet 655, MedGen C0687120, MONDO:0019005, HP:0000090.

Allele frequency attached by ClinVar (database versions not stated): TOPMed below 0.00001.

Submission:

Labcorp Genetics (formerly Invitae), Labcorp
Classification: Uncertain significance for Nephronophthisis. Last evaluated: 2022-10-13. Review status: criteria provided, single submitter. Criteria: Invitae Variant Classification Sherloc (09022015). Collection method: clinical testing. Allele origin: germline.
Comment: In summary, the available evidence is currently insufficient to determine the role of this variant in disease. Therefore, it has been classified as a Variant of Uncertain Significance. Advanced modeling of protein sequence and biophysical properties (such as structural, functional, and spatial information, amino acid conservation, physicochemical variation, residue mobility, and thermodynamic stability) performed at Invitae indicates that this missense variant is not expected to disrupt NPHP3 protein function. ClinVar contains an entry for this variant (Variation ID: 1469820). This variant has not been reported in the literature in individuals affected with NPHP3-related conditions. This variant is not present in population databases (gnomAD no frequency). This sequence change replaces aspartic acid, which is acidic and polar, with glycine, which is neutral and non-polar, at codon 278 of the NPHP3 protein (p.Asp278Gly).